The following is an entry in ClinVar:

ClinVar aggregate classification (germline): Uncertain significance (1 of 4 stars; one submission).

Conditions:
Hypertrophic cardiomyopathy. Also called: HYPERTROPHIC MYOCARDIOPATHY. Identifiers: Orphanet 217569, MedGen C0007194, MeSH D002312, MONDO:0005045, HP:0001639.

Submission:

Labcorp Genetics (formerly Invitae), Labcorp
Classification: Uncertain significance for Hypertrophic cardiomyopathy. Last evaluated: 2022-08-16. Review status: criteria provided, single submitter. Criteria: Invitae Variant Classification Sherloc (09022015). Collection method: clinical testing. Allele origin: germline.
Comment: This variant has not been reported in the literature in individuals affected with MYH7-related conditions. ClinVar contains an entry for this variant (Variation ID: 1387798). Algorithms developed to predict the effect of missense changes on protein structure and function are either unavailable or do not agree on the potential impact of this missense change (SIFT: "Deleterious"; PolyPhen-2: "Benign"; Align-GVGD: "Class C0"). In summary, the available evidence is currently insufficient to determine the role of this variant in disease. Therefore, it has been classified as a Variant of Uncertain Significance. This variant is not present in population databases (gnomAD no frequency). This sequence change replaces valine, which is neutral and non-polar, with glutamic acid, which is acidic and polar, at codon 1674 of the MYH7 protein (p.Val1674Glu).

NM_000257.4(MYH7):c.5021T>A (p.Val1674Glu)

Genes: MHRT (myosin heavy chain associated RNA transcript; plus strand), MYH7 (myosin heavy chain 7; minus strand), LOC126861897 (BRD4-independent group 4 enhancer GRCh37_chr14:23884455-23885654; plus strand). Cytogenetic location: 14q11.2.
Variant type: single nucleotide variant.
Coding change: c.5021T>A on transcript NM_000257.4 (MANE Select); coding-DNA position 5021, T replaced by A.
Protein change: p.Val1674Glu; replaces valine 1674 with glutamic acid.
Molecular consequence: missense variant. On other transcripts: non-coding transcript variant (1).
Genome position (GRCh38, 1-based): chr14:23,415,765, A>T on the plus strand (T>A on the coding strand, the complement: MYH7 is on the minus strand). VCF-style: chr14-23415765-A-T. GRCh37 (hg19) VCF-style: chr14-23884974-A-T.
Other names: short protein forms V1674E.
Identifiers: ClinVar variation 1387798 (VCV001387798.6), dbSNP rs2138640581, ClinGen allele CA389037122.